The following is an entry in ClinVar:

ClinVar aggregate classification (germline): Pathogenic (1 of 4 stars; one submission).

Conditions:
Familial cancer of breast. Also called: BREAST CANCER, FAMILIAL; hereditary breast carcinoma; Hereditary breast cancer. Identifiers: Orphanet 227535, MedGen C0346153, MONDO:0016419, OMIM 114480. Disease mechanism: loss of function.

Submission:

Myriad Genetics, Inc.
Classification: Pathogenic for Familial cancer of breast. Last evaluated: 2023-06-26. Review status: criteria provided, single submitter. Criteria: Myriad Autosomal Dominant, Autosomal Recessive and X-Linked Classification Criteria (2023). Collection method: clinical testing. Allele origin: unknown.
Comment: This variant is considered pathogenic. This variant creates a frameshift predicted to result in premature protein truncation.

NM_007194.4(CHEK2):c.555_585del (p.Asn185fs)

Gene: CHEK2 (checkpoint kinase 2; minus strand). Cytogenetic location: 22q12.1.
Variant type: Deletion.
Coding change: c.555_585del on transcript NM_007194.4 (MANE Select); coding-DNA positions 555 to 585, 31 bases deleted.
Protein change: p.Asn185fs; shifts the reading frame from asparagine 185.
Molecular consequence: frameshift variant. On other transcripts: 5 prime UTR variant (2), intron variant (1).
Genome position (GRCh38, 1-based): chr22:28,724,984-28,725,014, 31 bases deleted; deleting any 31 consecutive bases within chr22:28,724,984-28,725,015 gives the same sequence; the c. name uses the placement nearest the transcript's 3' end. GRCh37 (hg19): chr22:29,120,973-29,121,003.
Other names: c.684_714del, p.Asn228fs (NM_001005735.3, NM_001438294.1); c.-223_-193del (NM_001257387.3); c.-109_-79del (NM_001437942.1); c.648_678del, p.Asn216fs (NM_001438293.1, NM_001438295.1); c.555_585del, p.Asn185fs (NM_145862.3); c.445-91_445-61del (NM_001349956.3); short protein forms N185fs, N228fs, N216fs.
Identifiers: ClinVar variation 2584179 (VCV002584179.2), dbSNP rs2518050316, ClinGen allele CA2582342772.
Genomic context (GRCh38, chr22:28,724,983, plus strand): 5'-CCTATGAGAGAGTGGAAAAAAAAAATTCCAGTAACCATAAGATAATAATATTACCTTTAT[TTCTGCTTAGTGACAGTGCAATTTCAGAATTG>T]TTATTCAAAGGACGGCGTTTTCCTTTCCCTACAAGCTCTGTATTTACAAAGGTTCCATTG-3'